The following is an entry in ClinVar:

ClinVar aggregate classification (germline): Uncertain significance (1 of 4 stars; one submission).

Allele frequency attached by ClinVar (database versions not stated): gnomAD exomes below 0.00001.
gnomAD v4.1: 2 of 1,597,290 alleles (0.00013%); highest among the groups gnomAD compares: Non-Finnish European, 0.000085%; no homozygotes.

Submission:

Labcorp Genetics (formerly Invitae), Labcorp
Classification: Uncertain significance. Last evaluated: 2023-03-25. Review status: criteria provided, single submitter. Criteria: Invitae Variant Classification Sherloc (09022015). Collection method: clinical testing. Allele origin: germline.
Comment: This sequence change replaces tyrosine, which is neutral and polar, with phenylalanine, which is neutral and non-polar, at codon 301 of the TCF3 protein (p.Tyr301Phe). This variant is not present in population databases (gnomAD no frequency). This variant has not been reported in the literature in individuals affected with TCF3-related conditions. An algorithm developed to predict the effect of missense changes on protein structure and function (PolyPhen-2) suggests that this variant is likely to be disruptive. In summary, the available evidence is currently insufficient to determine the role of this variant in disease. Therefore, it has been classified as a Variant of Uncertain Significance.

NM_003200.5(TCF3):c.902A>T (p.Tyr301Phe)

Gene: TCF3 (transcription factor 3; minus strand). Cytogenetic location: 19p13.3.
Variant type: single nucleotide variant.
Coding change: c.902A>T on transcript NM_003200.5 (MANE Select); coding-DNA position 902, A replaced by T.
Protein change: p.Tyr301Phe; replaces tyrosine 301 with phenylalanine.
Molecular consequence: missense variant.
Genome position (GRCh38, 1-based): chr19:1,621,891, T>A on the plus strand (A>T on the coding strand, the complement: TCF3 is on the minus strand). VCF-style: chr19-1621891-T-A. GRCh37 (hg19) VCF-style: chr19-1621890-T-A.
Other names: c.902A>T, p.Tyr301Phe (NM_001136139.4, NM_001351778.2, NM_001351779.2); short protein forms Y301F.
Identifiers: ClinVar variation 3001405 (VCV003001405.3), dbSNP rs886374381, ClinGen allele CA304103557.